The following is an entry in ClinVar:

NM_001323289.2(CDKL5):c.1734_1738dup (p.Ser580fs)

Gene: CDKL5 (cyclin dependent kinase like 5; plus strand). Cytogenetic location: Xp22.13.
Variant type: Duplication.
Coding change: c.1734_1738dup on transcript NM_001323289.2 (MANE Select); coding-DNA positions 1734 to 1738, 5 bases duplicated (CAGTA; older notation c.1734_1738dupCAGTA).
Protein change: p.Ser580fs; shifts the reading frame from serine 580.
Molecular consequence: frameshift variant.
Genome position (GRCh38, 1-based): chrX:18,604,658-18,604,662, CAGTA duplicated; duplicating any 5 consecutive bases within chrX:18,604,657-18,604,662 gives the same sequence; the c. name uses the placement nearest the transcript's 3' end. VCF-style (leftmost placement, unchanged base first): chrX-18604656-G-GACAGT. GRCh37 (hg19) VCF-style: chrX-18622776-G-GACAGT.
Other names: NM_003159.3:c.1734_1738dup; c.1734_1738dup, p.Ser580fs (NM_001037343.2, NM_003159.3); short protein forms S580fs.
Identifiers: ClinVar variation 3602049 (VCV003602049.1).

ClinVar aggregate classification (germline): Pathogenic (1 of 4 stars; one submission).

Conditions:
CDKL5 disorder. Identifiers: MedGen CN296942, MONDO:0100039.

Submission:

Centre for Population Genomics, CPG
Classification: Pathogenic for CDKL5 disorder. Last evaluated: 2024-12-24. Review status: criteria provided, single submitter. Criteria: McKnight et al. (Hum Mutat. 2022). Collection method: curation. Allele origin: germline. Inheritance: X-linked inheritance.
Comment: This variant has been collected from RettBASE and curated to current modified ACMG/AMP criteria. Based on the classification scheme defined by the ClinGen Rett/Angelman-like Expert Panel for Rett/AS-like Disorders Specifications to the ACMG/AMP Variant Interpretation Guidelines VCEP 3.0, this variant is classified as pathogenic. At least the following criteria are met: Predicted to result in loss of function, and LOF is a known mechanism of disease (PVS1). This variant has been identified as a de novo occurrence in an individual with CDKL5 disorder without confirmation of paternity and maternity (PM6). This variant is absent from gnomAD (PM2_Supporting).